The following is an entry in ClinVar:

ClinVar aggregate classification (germline): Likely pathogenic (1 of 4 stars; one submission).

Conditions:
Nemaline myopathy 8 (NEM8). Also called: Nemaline myopathy 8, autosomal recessive. Identifiers: Orphanet 171430, MedGen C3809209, MONDO:0014138, OMIM 615348.

gnomAD v4.1: 3 of 1,614,134 alleles (0.00019%); highest among the groups gnomAD compares: East Asian, 0.0022%; no homozygotes.

Submission:

Juno Genomics, Hangzhou Juno Genomics, Inc
Classification: Likely pathogenic for Nemaline myopathy 8. Review status: criteria provided, single submitter. Criteria: ACMG Guidelines, 2015. Collection method: clinical testing. Allele origin: germline.
Comment: Absent from controls (or at extremely low frequency if recessive) in Genome Aggregation Database.;Multiple lines of computational evidence support a deleterious effect on the gene or gene product.;Patient's phenotype or family history is highly specific for a disease with a single genetic etiology.;For recessive disorders, detected in trans with a pathogenic variant.

NM_152393.4(KLHL40):c.932G>T (p.Arg311Leu)

Gene: KLHL40 (kelch like family member 40; plus strand). Cytogenetic location: 3p22.1.
Variant type: single nucleotide variant.
Coding change: c.932G>T on transcript NM_152393.4 (MANE Select); coding-DNA position 932, G replaced by T.
Protein change: p.Arg311Leu; replaces arginine 311 with leucine.
Molecular consequence: missense variant.
Genome position (GRCh38, 1-based): chr3:42,686,550, G>T. VCF-style: chr3-42686550-G-T. GRCh37 (hg19) VCF-style: chr3-42728042-G-T.
Other names: short protein forms R311L.
Identifiers: ClinVar variation 5020036 (VCV005020036.2).
Genomic context (GRCh38, chr3:42,686,550, plus strand): 5'-AAGCAGAGGAGGATGAGGAGGCCGAACGTATCCTTCCTGGGATCCTCAATGACACCCTGC[G>T]CTTCGGCATGTTCCTGCAGGATCTCATCTTCATGATCAGTGAGGAGGGCGCTGTGGCCTA-3'
Protein context (NP_689606.2, residues 301-321): ILPGILNDTL[Arg311Leu]FGMFLQDLIF